The following is an entry in ClinVar:

NM_001267550.2(TTN):c.98020C>T (p.Arg32674Cys)

Genes: TTN (titin; minus strand), TTN-AS1 (TTN antisense RNA 1; plus strand). Cytogenetic location: 2q31.2.
Variant type: single nucleotide variant.
Coding change: c.98020C>T on transcript NM_001267550.2 (MANE Select); coding-DNA position 98020, C replaced by T.
Protein change: p.Arg32674Cys; replaces arginine 32674 with cysteine.
Molecular consequence: missense variant. On other transcripts: non-coding transcript variant (1).
Genome position (GRCh38, 1-based): chr2:178,540,146, G>A on the plus strand (C>T on the coding strand, the complement: TTN is on the minus strand). VCF-style: chr2-178540146-G-A. GRCh37 (hg19) VCF-style: chr2-179404873-G-A.
Other names: c.93097C>T, p.Arg31033Cys (NM_001256850.1); c.70825C>T, p.Arg23609Cys (NM_003319.4); c.90316C>T, p.Arg30106Cys (NM_133378.4); c.71200C>T, p.Arg23734Cys (NM_133432.3); c.71401C>T, p.Arg23801Cys (NM_133437.4); short protein forms R23609C, R23734C, R23801C, R30106C, R31033C, R32674C.
Identifiers: ClinVar variation 2437984 (VCV002437984.4), dbSNP rs374471511, ClinGen allele CA1986454.
Genomic context (GRCh38, chr2:178,540,146, plus strand): 5'-TGACTGTTCCTGGTACCTCAGCAGGCTCACCAGGTCCACCAGCATTACAAGCTAGGACGC[G>A]GAACCTGTATTCTGCACCCTGAGGTAGGTGTGTTAGAGTATACTCTCGAATCTTGGTTGG-3'
Protein context (NP_001254479.2, residues 32664-32684): HLPQGAEYRF[Arg32674Cys]VLACNAGGPG

ClinVar aggregate classification (germline): Uncertain significance. Review status: criteria provided, multiple submitters, no conflicts (2 of 4 stars). 2 submissions from 2 submitters: Uncertain significance (2). Last evaluated 2026-02-21.

Conditions:
TTN-related disorder. Also called: TTN-related condition; TTN-related disease; TTN-related disorders.

Allele frequency attached by ClinVar (database versions not stated): gnomAD 0.00002; gnomAD exomes 0.00002; TOPMed 0.00002; ExAC 0.00006; ESP Exome Variant Server 0.00008.
gnomAD v4.1: 34 of 1,613,410 alleles (0.0021%); highest among the groups gnomAD compares: South Asian, 0.0088%; no homozygotes.

Submissions (2):

PreventionGenetics, part of Exact Sciences
Classification: Uncertain significance for TTN-related condition. Last evaluated: 2026-02-21. Review status: criteria provided, single submitter. Criteria: ACMG Guidelines, 2015. Collection method: clinical testing. Allele origin: germline.
Comment: The TTN c.98020C>T variant is predicted to result in the amino acid substitution p.Arg32674Cys. To our knowledge, this variant has not been reported in the literature. This variant is reported in 0.0098% of alleles in individuals of South Asian descent in gnomAD. At this time, the clinical significance of this variant is uncertain due to the absence of conclusive functional and genetic evidence.

Revvity Omics, Revvity
Classification: Uncertain significance. Last evaluated: 2024-04-22. Review status: criteria provided, single submitter. Criteria: ACMG Guidelines, 2015. Collection method: clinical testing. Allele origin: germline.